The following is an entry in ClinVar:

ClinVar aggregate classification (germline): Uncertain significance. Review status: criteria provided, multiple submitters, no conflicts (2 of 4 stars). 3 submissions from 3 submitters: Uncertain significance (3). Last evaluated 2025-04-13.

Conditions:
Thrombocytopenia 2 (THC2). Also called: ANKRD26-Related Thrombocytopenia. Identifiers: Orphanet 268322, MedGen C1861185, MONDO:0008555, OMIM 188000.
Inborn genetic diseases. Identifiers: MedGen C0950123, MeSH D030342.

Allele frequency attached by ClinVar (database versions not stated): gnomAD exomes below 0.00001 and 0.00001; gnomAD 0.00001; ExAC 0.00002; TOPMed 0.00002.

Submissions (3):

Labcorp Genetics (formerly Invitae), Labcorp
Classification: Uncertain significance. Last evaluated: 2025-04-13. Review status: criteria provided, single submitter. Criteria: Invitae Variant Classification Sherloc (09022015). Collection method: clinical testing. Allele origin: germline.
Comment: This sequence change replaces methionine, which is neutral and non-polar, with valine, which is neutral and non-polar, at codon 1336 of the ANKRD26 protein (p.Met1336Val). This variant is present in population databases (rs777101648, gnomAD 0.003%). This variant has not been reported in the literature in individuals affected with ANKRD26-related conditions. ClinVar contains an entry for this variant (Variation ID: 1172739). An algorithm developed to predict the effect of missense changes on protein structure and function (PolyPhen-2) suggests that this variant is likely to be tolerated. In summary, the available evidence is currently insufficient to determine the role of this variant in disease. Therefore, it has been classified as a Variant of Uncertain Significance.

Ambry Genetics
Classification: Uncertain significance for Inborn genetic diseases. Last evaluated: 2024-12-06. Review status: criteria provided, single submitter. Criteria: Ambry Variant Classification Scheme 2023. Collection method: clinical testing. Allele origin: germline.
Comment: The p.M1336V variant (also known as c.4006A>G), located in coding exon 28 of the ANKRD26 gene, results from an A to G substitution at nucleotide position 4006. The methionine at codon 1336 is replaced by valine, an amino acid with highly similar properties. This amino acid position is conserved. In addition, this alteration is predicted to be tolerated by in silico analysis. Based on the available evidence, the clinical significance of this variant remains unclear.

St. Jude Molecular Pathology, St. Jude Children's Research Hospital
Classification: Uncertain significance for Thrombocytopenia 2. Last evaluated: 2021-04-22. Review status: criteria provided, single submitter. Criteria: St. Jude Assertion Criteria 2020. Collection method: clinical testing. Allele origin: germline.
Comment: The ANKRD26 c.4006A>G (p.Met1336Val) missense change has a maximum frequency of 0.0034% in gnomAD v2.1.1. This variant is not located in the 5â€™ UTR. Six of six in silico tools predict a benign effect of this variant on protein function (BP4), but these predictions have not been confirmed by functional studies. To our knowledge, this variant has not been reported in individuals with ANKRD26-related thrombocytopenia. In summary, this variant meets criteria to be classified as of uncertain significance based on the ACMG/AMP criteria: BP4.

NM_014915.3(ANKRD26):c.4006A>G (p.Met1336Val)

Gene: ANKRD26 (ankyrin repeat domain 26; minus strand). Cytogenetic location: 10p12.1.
Variant type: single nucleotide variant.
Coding change: c.4006A>G on transcript NM_014915.3 (MANE Select); coding-DNA position 4006, A replaced by G.
Protein change: p.Met1336Val; replaces methionine 1336 with valine.
Molecular consequence: missense variant.
Genome position (GRCh38, 1-based): chr10:27,024,526, T>C on the plus strand (A>G on the coding strand, the complement: ANKRD26 is on the minus strand). VCF-style: chr10-27024526-T-C. GRCh37 (hg19) VCF-style: chr10-27313455-T-C.
Other names: c.4003A>G, p.Met1335Val (NM_001256053.2); c.4006A>G (NM_014915.2); short protein forms M1335V, M1336V.
Identifiers: ClinVar variation 1172739 (VCV001172739.9), dbSNP rs777101648, ClinGen allele CA5447879.